The following is an entry in ClinVar:

NM_002693.3(POLG):c.112G>T (p.Gly38Trp)

Genes: POLG (DNA polymerase gamma, catalytic subunit; minus strand), POLGARF (POLG alternative reading frame; minus strand). Cytogenetic location: 15q26.1.
Variant type: single nucleotide variant.
Coding change: c.112G>T on transcript NM_002693.3 (MANE Select); coding-DNA position 112, G replaced by T.
Protein change: p.Gly38Trp; replaces glycine 38 with tryptophan.
Molecular consequence: missense variant.
Genome position (GRCh38, 1-based): chr15:89,333,643, C>A on the plus strand (G>T on the coding strand, the complement: POLG is on the minus strand). VCF-style: chr15-89333643-C-A. GRCh37 (hg19) VCF-style: chr15-89876874-C-A.
Other names: c.167G>T, p.Arg56Leu (NM_001430120.1); c.112G>T, p.Gly38Trp (NM_001126131.2); short protein forms G38W, R56L.
Identifiers: ClinVar variation 3671169 (VCV003671169.2).
Genomic context (GRCh38, chr15:89,333,643, plus strand): 5'-GCTGAGGCTGCTGTTGCTGCTGCTGCTGCTGCTGCTGCTGCTGCTGCCGCCGCCGCTGCC[C>A]GTCGCTGGGGTCGGACGCGGGGACGGAGCTGGAGACCCAGCGCCCCGGAGCTGGAACCGG-3'
Protein context (NP_002684.1, residues 28-48): SSVPASDPSD[Gly38Trp]QRRRQQQQQQ

ClinVar aggregate classification (germline): Uncertain significance (1 of 4 stars; one submission).

Conditions:
Progressive sclerosing poliodystrophy (MTDPS4A). Also called: ALPERS PROGRESSIVE INFANTILE POLIODYSTROPHY; NEURONAL DEGENERATION OF CHILDHOOD WITH LIVER DISEASE, PROGRESSIVE; Alpers Syndrome; ALPERS DIFFUSE DEGENERATION OF CEREBRAL GRAY MATTER WITH HEPATIC CIRRHOSIS; Alpers-Huttenlocher Syndrome; Mitochondrial DNA depletion syndrome 4A (Alpers type). Identifiers: Orphanet 726, MedGen C0205710, MONDO:0008758, OMIM 203700.

Submission:

Labcorp Genetics (formerly Invitae), Labcorp
Classification: Uncertain significance for Progressive sclerosing poliodystrophy. Last evaluated: 2025-10-10. Review status: criteria provided, single submitter. Criteria: Invitae Variant Classification Sherloc (09022015). Collection method: clinical testing. Allele origin: germline.
Comment: This sequence change replaces glycine, which is neutral and non-polar, with tryptophan, which is neutral and slightly polar, at codon 38 of the POLG protein (p.Gly38Trp). This variant is not present in population databases (gnomAD no frequency). This variant has not been reported in the literature in individuals affected with POLG-related conditions. ClinVar contains an entry for this variant (Variation ID: 3671169). Invitae Evidence Modeling of protein sequence and biophysical properties (such as structural, functional, and spatial information, amino acid conservation, physicochemical variation, residue mobility, and thermodynamic stability) has been performed for this missense variant. However, the output from this modeling did not meet the statistical confidence thresholds required to predict the impact of this variant on POLG protein function. In summary, the available evidence is currently insufficient to determine the role of this variant in disease. Therefore, it has been classified as a Variant of Uncertain Significance.